The following is an entry in ClinVar:

NM_017534.6(MYH2):c.4154C>T (p.Ala1385Val)

Genes: MYHAS (myosin heavy chain gene cluster antisense RNA; plus strand), MYH2 (myosin heavy chain 2; minus strand). Cytogenetic location: 17p13.1.
Variant type: single nucleotide variant.
Coding change: c.4154C>T on transcript NM_017534.6 (MANE Select); coding-DNA position 4154, C replaced by T.
Protein change: p.Ala1385Val; replaces alanine 1385 with valine.
Molecular consequence: missense variant.
Genome position (GRCh38, 1-based): chr17:10,526,632, G>A on the plus strand (C>T on the coding strand, the complement: MYH2 is on the minus strand). VCF-style: chr17-10526632-G-A. GRCh37 (hg19) VCF-style: chr17-10429949-G-A.
Other names: c.4154C>T, p.Ala1385Val (NM_001100112.2); short protein forms A1385V.
Identifiers: ClinVar variation 1018159 (VCV001018159.5), dbSNP rs1406857706, ClinGen allele CA398127181.
Genomic context (GRCh38, chr17:10,526,632, plus strand): 5'-CTCATTCTCTCATATCTGTGCACATACTTGGCCTCCTCCAGCTCCTCTGTGCGCTGGATG[G>A]CGTCCGTCTCGTATTTGGTCCTCCATTGGGCAACCTCGGTGTTGGCCTTGGACAGTGCTC-3'
Protein context (NP_060004.3, residues 1375-1395): AQWRTKYETD[Ala1385Val]IQRTEELEEA

ClinVar aggregate classification (germline): Uncertain significance (1 of 4 stars; one submission).

Conditions:
Myopathy, proximal, and ophthalmoplegia (CMYO6). Also called: MYOPATHY WITH CONGENITAL JOINT CONTRACTURES, OPHTHALMOPLEGIA, AND RIMMED VACUOLES; INCLUSION BODY MYOPATHY 3, AUTOSOMAL DOMINANT; CONGENITAL MYOPATHY 6 WITH OPHTHALMOPLEGIA. Identifiers: Orphanet 363677, Orphanet 79091, MedGen C1854106, MONDO:0011577, OMIM 605637.

Allele frequency attached by ClinVar (database versions not stated): gnomAD exomes below 0.00001; TOPMed below 0.00001; gnomAD 0.00001.
gnomAD v4.1: 2 of 1,613,856 alleles (0.00012%); highest among the groups gnomAD compares: Non-Finnish European, 0.00017%; no homozygotes.

Submission:

Labcorp Genetics (formerly Invitae), Labcorp
Classification: Uncertain significance for Myopathy, proximal, and ophthalmoplegia. Last evaluated: 2022-03-09. Review status: criteria provided, single submitter. Criteria: Invitae Variant Classification Sherloc (09022015). Collection method: clinical testing. Allele origin: germline.
Comment: In summary, the available evidence is currently insufficient to determine the role of this variant in disease. Therefore, it has been classified as a Variant of Uncertain Significance. Algorithms developed to predict the effect of missense changes on protein structure and function are either unavailable or do not agree on the potential impact of this missense change (SIFT: "Deleterious"; PolyPhen-2: "Benign"; Align-GVGD: "Class C55"). ClinVar contains an entry for this variant (Variation ID: 1018159). This variant has not been reported in the literature in individuals affected with MYH2-related conditions. This variant is present in population databases (no rsID available, gnomAD 0.007%). This sequence change replaces alanine, which is neutral and non-polar, with valine, which is neutral and non-polar, at codon 1385 of the MYH2 protein (p.Ala1385Val).